The following is an entry in ClinVar:

NM_001330078.2(NRXN1):c.365A>G (p.Gln122Arg)

Gene: NRXN1 (neurexin 1; minus strand). Cytogenetic location: 2p16.3.
Variant type: single nucleotide variant.
Coding change: c.365A>G on transcript NM_001330078.2 (MANE Select); coding-DNA position 365, A replaced by G.
Protein change: p.Gln122Arg; replaces glutamine 122 with arginine.
Molecular consequence: missense variant.
Genome position (GRCh38, 1-based): chr2:51,027,909, T>C on the plus strand (A>G on the coding strand, the complement: NRXN1 is on the minus strand). VCF-style: chr2-51027909-T-C. GRCh37 (hg19) VCF-style: chr2-51255047-T-C.
Other names: c.365A>G, p.Gln122Arg (NM_001135659.3, NM_001330077.2, NM_001330079.2 and 15 more transcripts); short protein forms Q122R.
Identifiers: ClinVar variation 1352105 (VCV001352105.8), dbSNP rs2105331215, ClinGen allele CA346824158.

ClinVar aggregate classification (germline): Uncertain significance (1 of 4 stars; one submission).

Conditions:
Pitt-Hopkins-like syndrome 2 (PTHSL2). Identifiers: Orphanet 221150, Orphanet 600663, MedGen C3280479, MONDO:0013690, OMIM 614325.

Submission:

Labcorp Genetics (formerly Invitae), Labcorp
Classification: Uncertain significance for Pitt-Hopkins-like syndrome 2. Last evaluated: 2022-08-15. Review status: criteria provided, single submitter. Criteria: Invitae Variant Classification Sherloc (09022015). Collection method: clinical testing. Allele origin: germline.
Comment: This sequence change replaces glutamine, which is neutral and polar, with arginine, which is basic and polar, at codon 122 of the NRXN1 protein (p.Gln122Arg). This variant is not present in population databases (gnomAD no frequency). This variant has not been reported in the literature in individuals affected with NRXN1-related conditions. ClinVar contains an entry for this variant (Variation ID: 1352105). Algorithms developed to predict the effect of missense changes on protein structure and function (SIFT, PolyPhen-2, Align-GVGD) all suggest that this variant is likely to be tolerated. In summary, the available evidence is currently insufficient to determine the role of this variant in disease. Therefore, it has been classified as a Variant of Uncertain Significance.